The following is an entry in ClinVar:

NM_015631.6(TCTN3):c.368C>G (p.Pro123Arg)

Gene: TCTN3 (tectonic family member 3; minus strand). Cytogenetic location: 10q24.1.
Variant type: single nucleotide variant.
Coding change: c.368C>G on transcript NM_015631.6 (MANE Select); coding-DNA position 368, C replaced by G.
Protein change: p.Pro123Arg; replaces proline 123 with arginine.
Molecular consequence: missense variant.
Genome position (GRCh38, 1-based): chr10:95,693,365, G>C on the plus strand (C>G on the coding strand, the complement: TCTN3 is on the minus strand). VCF-style: chr10-95693365-G-C. GRCh37 (hg19) VCF-style: chr10-97453122-G-C.
Other names: c.368C>G, p.Pro123Arg (NM_001143973.2); short protein forms P123R.
Identifiers: ClinVar variation 1438842 (VCV001438842.8), dbSNP rs1005806916, ClinGen allele CA211808298.

ClinVar aggregate classification (germline): Uncertain significance. Review status: criteria provided, multiple submitters, no conflicts (2 of 4 stars). 2 submissions from 2 submitters: Uncertain significance (2). Last evaluated 2022-06-13.

Conditions:
Joubert syndrome 18 (JBTS18). Identifiers: Orphanet 2754, MedGen C3553758, MONDO:0013896, OMIM 614815.
Orofacial-digital syndrome IV (OFD4). Also called: Orofaciodigital syndrome IV; BARAITSER-BURN SYNDROME; MOHR-MAJEWSKI SYNDROME; OFD SYNDROME WITH TIBIAL DEFECTS; OFD SYNDROME, BARAITSER-BURN TYPE; OFDS IV. Identifiers: Orphanet 2753, MedGen C0406727, MONDO:0009794, OMIM 258860.

Allele frequency attached by ClinVar (database versions not stated): TOPMed below 0.00001.

Submissions (2):

Labcorp Genetics (formerly Invitae), Labcorp
Classification: Uncertain significance for Joubert syndrome 18; Orofacial-digital syndrome IV. Last evaluated: 2022-06-13. Review status: criteria provided, single submitter. Criteria: Invitae Variant Classification Sherloc (09022015). Collection method: clinical testing. Allele origin: germline.
Comment: This variant has not been reported in the literature in individuals affected with TCTN3-related conditions. This variant is present in population databases (no rsID available, gnomAD 0.007%). This sequence change replaces proline, which is neutral and non-polar, with arginine, which is basic and polar, at codon 123 of the TCTN3 protein (p.Pro123Arg). Algorithms developed to predict the effect of missense changes on protein structure and function are either unavailable or do not agree on the potential impact of this missense change (SIFT: "Deleterious"; PolyPhen-2: "Probably Damaging"; Align-GVGD: "Class C0"). In summary, the available evidence is currently insufficient to determine the role of this variant in disease. Therefore, it has been classified as a Variant of Uncertain Significance.

Breakthrough Genomics
Classification: Uncertain significance. Review status: criteria provided, single submitter. Criteria: ACMG Guidelines, 2015. Collection method: not provided. Allele origin: germline. Inheritance: Autosomal recessive inheritance. Affected: yes.